The following is an entry in ClinVar:

ClinVar aggregate classification (germline): Likely benign. Review status: criteria provided, multiple submitters, no conflicts (2 of 4 stars). 2 submissions from 2 submitters: Likely benign (2). Last evaluated 2025-11-26.

Conditions:
NACC1-related disorder. Also called: NACC1-related condition.

Allele frequency attached by ClinVar (database versions not stated): ExAC 0.00001; TOPMed 0.00001; gnomAD exomes 0.00002; gnomAD 0.00003; ESP Exome Variant Server 0.00008.
gnomAD v4.1: 31 of 1,611,924 alleles (0.0019%); highest among the groups gnomAD compares: African/African-American, 0.011%; 1 homozygote.

Submissions (2):

PreventionGenetics, part of Exact Sciences
Classification: Likely benign for NACC1-related condition. Last evaluated: 2025-11-26. Review status: criteria provided, single submitter. Criteria: ACMG Guidelines, 2015. Collection method: clinical testing. Allele origin: germline.
Comment: This variant is classified as likely benign based on ACMG/AMP sequence variant interpretation guidelines (Richards et al. 2015 PMID: 25741868, with internal and published modifications).

Labcorp Genetics (formerly Invitae), Labcorp
Classification: Likely benign. Last evaluated: 2025-07-11. Review status: criteria provided, single submitter. Criteria: Invitae Variant Classification Sherloc (09022015). Collection method: clinical testing. Allele origin: germline.

NM_052876.4(NACC1):c.936C>T (p.Val312=)

Gene: NACC1 (nucleus accumbens associated 1; plus strand). Cytogenetic location: 19p13.13.
Variant type: single nucleotide variant.
Coding change: c.936C>T on transcript NM_052876.4 (MANE Select); coding-DNA position 936, C replaced by T.
Protein change: p.Val312=; no amino-acid change (valine 312 retained).
Molecular consequence: synonymous variant.
Genome position (GRCh38, 1-based): chr19:13,136,143, C>T. VCF-style: chr19-13136143-C-T. GRCh37 (hg19) VCF-style: chr19-13246957-C-T.
Other names: c.936C>T (NM_052876.3).
Identifiers: ClinVar variation 1584720 (VCV001584720.9), dbSNP rs150402004, ClinGen allele CA9238342.